The following is an entry in ClinVar:

ClinVar aggregate classification (germline): Likely pathogenic (1 of 4 stars; one submission).

Conditions:
Dilated cardiomyopathy 1G (CMD1G). Identifiers: Orphanet 154, MedGen C1858763, MONDO:0011400, OMIM 604145.
Autosomal recessive limb-girdle muscular dystrophy type 2J (LGMDR10). Also called: Limb-girdle muscular dystrophy, type 2J; MUSCULAR DYSTROPHY, LIMB-GIRDLE, AUTOSOMAL RECESSIVE 10. Identifiers: Orphanet 140922, MedGen C1837342, MONDO:0012127, OMIM 608807.

Submission:

Labcorp Genetics (formerly Invitae), Labcorp
Classification: Likely pathogenic for Dilated cardiomyopathy 1G; Autosomal recessive limb-girdle muscular dystrophy type 2J. Last evaluated: 2022-04-16. Review status: criteria provided, single submitter. Criteria: Invitae Variant Classification Sherloc (09022015). Collection method: clinical testing. Allele origin: germline.
Comment: In summary, the currently available evidence indicates that the variant is pathogenic, but additional data are needed to prove that conclusively. Therefore, this variant has been classified as Likely Pathogenic. This variant is located in the A band of TTN (PMID: 25589632). Truncating variants in this region are significantly overrepresented in patients affected with dilated cardiomyopathy (PMID: 25589632). Truncating variants in this region have also been reported in individuals affected with autosomal recessive centronuclear myopathy (PMID: 23975875). This variant has not been reported in the literature in individuals affected with TTN-related conditions. This variant is not present in population databases (gnomAD no frequency). This sequence change creates a premature translational stop signal (p.Tyr20914*) in the TTN gene. While this is not anticipated to result in nonsense mediated decay, it is expected to create a truncated TTN protein.

Literature cited by the submitters: PubMed 25589632; PubMed 23975875.

NM_001267550.2(TTN):c.62742T>G (p.Tyr20914Ter)

Genes: TTN-AS1 (TTN antisense RNA 1; plus strand), TTN (titin; minus strand). Cytogenetic location: 2q31.2.
Variant type: single nucleotide variant.
Coding change: c.62742T>G on transcript NM_001267550.2 (MANE Select); coding-DNA position 62742, T replaced by G.
Protein change: p.Tyr20914Ter; replaces tyrosine 20914 with a stop codon.
Molecular consequence: nonsense.
Genome position (GRCh38, 1-based): chr2:178,588,983, A>C on the plus strand (T>G on the coding strand, the complement: TTN is on the minus strand). VCF-style: chr2-178588983-A-C. GRCh37 (hg19) VCF-style: chr2-179453710-A-C.
Other names: c.57819T>G, p.Tyr19273Ter (NM_001256850.1); c.35547T>G, p.Tyr11849Ter (NM_003319.4); c.55038T>G, p.Tyr18346Ter (NM_133378.4); c.35922T>G, p.Tyr11974Ter (NM_133432.3); c.36123T>G, p.Tyr12041Ter (NM_133437.4); short protein forms Y11974*, Y12041*, Y18346*, Y19273*, Y11849*, Y20914*.
Identifiers: ClinVar variation 2126864 (VCV002126864.4), dbSNP rs1410796140, ClinGen allele CA349460690.